The following is an entry in ClinVar:

ClinVar aggregate classification (germline): Uncertain significance (1 of 4 stars; one submission).

Conditions:
Emery-Dreifuss muscular dystrophy 5, autosomal dominant (EDMD5). Also called: EMERY-DREIFUSS MUSCULAR DYSTROPHY 5. Identifiers: Orphanet 261, MedGen C2751805, MONDO:0013072, OMIM 612999.

Submission:

Labcorp Genetics (formerly Invitae), Labcorp
Classification: Uncertain significance for Emery-Dreifuss muscular dystrophy 5, autosomal dominant. Last evaluated: 2025-05-08. Review status: criteria provided, single submitter. Criteria: Invitae Variant Classification Sherloc (09022015). Collection method: clinical testing. Allele origin: germline.
Comment: This sequence change replaces phenylalanine, which is neutral and non-polar, with cysteine, which is neutral and slightly polar, at codon 5499 of the SYNE2 protein (p.Phe5499Cys). This variant is not present in population databases (gnomAD no frequency). This variant has not been reported in the literature in individuals affected with SYNE2-related conditions. An algorithm developed to predict the effect of missense changes on protein structure and function (PolyPhen-2) suggests that this variant is likely to be tolerated. In summary, the available evidence is currently insufficient to determine the role of this variant in disease. Therefore, it has been classified as a Variant of Uncertain Significance.

NM_182914.3(SYNE2):c.16496T>G (p.Phe5499Cys)

Gene: SYNE2 (spectrin repeat containing nuclear envelope protein 2; plus strand). Cytogenetic location: 14q23.2.
Variant type: single nucleotide variant.
Coding change: c.16496T>G on transcript NM_182914.3 (MANE Select); coding-DNA position 16496, T replaced by G.
Protein change: p.Phe5499Cys; replaces phenylalanine 5499 with cysteine.
Molecular consequence: missense variant.
Genome position (GRCh38, 1-based): chr14:64,165,301, T>G. VCF-style: chr14-64165301-T-G. GRCh37 (hg19) VCF-style: chr14-64632019-T-G.
Other names: c.16496T>G, p.Phe5499Cys (NM_015180.6); short protein forms F5499C.
Identifiers: ClinVar variation 4705732 (VCV004705732.1).